The following is an entry in ClinVar:

ClinVar aggregate classification (germline): Likely pathogenic (1 of 4 stars; one submission).

Submission:

Labcorp Genetics (formerly Invitae), Labcorp
Classification: Likely pathogenic. Last evaluated: 2024-02-24. Review status: criteria provided, single submitter. Criteria: Invitae Variant Classification Sherloc (09022015). Collection method: clinical testing. Allele origin: germline.
Comment: This sequence change affects an acceptor splice site in intron 34 of the COL9A1 gene. It is expected to disrupt RNA splicing. Variants that disrupt the donor or acceptor splice site typically lead to a loss of protein function (PMID: 16199547), and loss-of-function variants in COL9A1 are known to be pathogenic (PMID: 16909383, 21421862). This variant is not present in population databases (gnomAD no frequency). This variant has not been reported in the literature in individuals affected with COL9A1-related conditions. ClinVar contains an entry for this variant (Variation ID: 1971278). Algorithms developed to predict the effect of sequence changes on RNA splicing suggest that this variant may disrupt the consensus splice site. In summary, the currently available evidence indicates that the variant is pathogenic, but additional data are needed to prove that conclusively. Therefore, this variant has been classified as Likely Pathogenic.

Literature cited by the submitters: PubMed 16199547; PubMed 16909383; PubMed 21421862.

NM_001851.6(COL9A1):c.2260-2A>G

Gene: COL9A1 (collagen type IX alpha 1 chain; minus strand). Cytogenetic location: 6q13.
Variant type: single nucleotide variant.
Coding change: c.2260-2A>G on transcript NM_001851.6 (MANE Select); the canonical splice acceptor site of the intron before coding-DNA position 2260, A replaced by G.
Molecular consequence: splice acceptor variant.
Genome position (GRCh38, 1-based): chr6:70,234,595, T>C on the plus strand (A>G on the coding strand, the complement: COL9A1 is on the minus strand). VCF-style: chr6-70234595-T-C. GRCh37 (hg19) VCF-style: chr6-70944298-T-C.
Other names: c.1384-2A>G (NM_001377290.1); c.1531-2A>G (NM_078485.4); c.1561-2A>G (NM_001377289.1).
Identifiers: ClinVar variation 1971278 (VCV001971278.5), dbSNP rs2483190622, ClinGen allele CA364672986.